The following is an entry in ClinVar:

NM_001793.6(CDH3):c.1689_1690delinsCA (p.Gln563_Val564delinsHisMet)

Gene: CDH3 (cadherin 3; plus strand). Cytogenetic location: 16q22.1.
Variant type: Indel.
Coding change: c.1689_1690delinsCA on transcript NM_001793.6 (MANE Select); coding-DNA positions 1689 to 1690, GG replaced by CA.
Protein change: p.Gln563_Val564delinsHisMet.
Molecular consequence: missense variant.
Genome position (GRCh38, 1-based): chr16:68,687,630-68,687,631, GG replaced by CA. VCF-style: chr16-68687630-GG-CA. GRCh37 (hg19) VCF-style: chr16-68721533-GG-CA.
Other names: c.1689_1690delinsCA, p.Gln563_Val564delinsHisMet (NM_001317195.3); c.1524_1525delinsCA, p.Gln508_Val509delinsHisMet (NM_001317196.2).
Identifiers: ClinVar variation 1383516 (VCV001383516.6), dbSNP rs2152103774, ClinGen allele CA2573152509.

ClinVar aggregate classification (germline): Uncertain significance (1 of 4 stars; one submission).

Submission:

Labcorp Genetics (formerly Invitae), Labcorp
Classification: Uncertain significance. Last evaluated: 2024-10-25. Review status: criteria provided, single submitter. Criteria: Invitae Variant Classification Sherloc (09022015). Collection method: clinical testing. Allele origin: germline.
Comment: This variant, c.1689_1690delinsCA, is a complex sequence change that results in the deletion of 2 and insertion of 2 amino acid(s) in the CDH3 protein (p.Gln563_Val564delinsHisMet). Information on the frequency of this variant in the gnomAD database is not available, as this variant may be reported differently in the database. This variant has not been reported in the literature in individuals affected with CDH3-related conditions. ClinVar contains an entry for this variant (Variation ID: 1383516). Experimental studies and prediction algorithms are not available or were not evaluated, and the functional significance of this variant is currently unknown. In summary, the available evidence is currently insufficient to determine the role of this variant in disease. Therefore, it has been classified as a Variant of Uncertain Significance.